The following is an entry in ClinVar:

NM_001040716.2(PC):c.3514G>A (p.Asp1172Asn)

Gene: PC (pyruvate carboxylase; minus strand). Cytogenetic location: 11q13.2.
Variant type: single nucleotide variant.
Coding change: c.3514G>A on transcript NM_001040716.2 (MANE Select); coding-DNA position 3514, G replaced by A.
Protein change: p.Asp1172Asn; replaces aspartic acid 1172 with asparagine.
Molecular consequence: missense variant.
Genome position (GRCh38, 1-based): chr11:66,848,922, C>T on the plus strand (G>A on the coding strand, the complement: PC is on the minus strand). VCF-style: chr11-66848922-C-T. GRCh37 (hg19) VCF-style: chr11-66616393-C-T.
Other names: c.3514G>A, p.Asp1172Asn (NM_000920.4, NM_022172.3); short protein forms D1172N.
Identifiers: ClinVar variation 427084 (VCV000427084.12), dbSNP rs568925019, ClinGen allele CA6130769.
Genomic context (GRCh38, chr11:66,848,922, plus strand): 5'-GGCTTGGGGATGGCCAGGCTGCCGGTCTGGGGCAAGATCACTCGATCTCCAGGATGAGGT[C>T]GTCACCTTCCAGTGTCATGTCCTTGGTCACATGAACCTTGCGGACAGTACCCTCCATGGG-3'
Protein context (NP_001035806.1, residues 1162-1178): VTKDMTLEGD[Asp1172Asn]LILEIE

ClinVar aggregate classification (germline): Conflicting classifications of pathogenicity. Review status: criteria provided, conflicting classifications (1 of 4 stars). 4 submissions from 4 submitters: Likely pathogenic (1); Uncertain significance (2); Likely benign (1). Last evaluated 2025-11-03.

Conditions:
Inborn genetic diseases. Identifiers: MedGen C0950123, MeSH D030342.
Pyruvate carboxylase deficiency. Also called: Pyruvate Carboxylase Deficiency Disease; LEIGH NECROTIZING ENCEPHALOPATHY DUE TO PYRUVATE CARBOXYLASE DEFICIENCY; LEIGH SYNDROME DUE TO PYRUVATE CARBOXYLASE DEFICIENCY; PC DEFICIENCY; ATAXIA WITH LACTIC ACIDOSIS II. Identifiers: Orphanet 3008, MedGen C0034341, MONDO:0009949, OMIM 266150.

Allele frequency attached by ClinVar (database versions not stated): ExAC 0.00002; gnomAD exomes 0.00002; TOPMed 0.00002; gnomAD 0.00003 and 0.00004; 1000 Genomes Project 0.00020; 1000 Genomes Project 30x 0.00031.
gnomAD v4.1: 52 of 1,613,882 alleles (0.0032%); highest among the groups gnomAD compares: South Asian, 0.027%; no homozygotes.

Submissions (4):

Women's Health and Genetics/Laboratory Corporation of America, LabCorp
Classification: Uncertain significance. Last evaluated: 2025-11-03. Review status: criteria provided, single submitter. Criteria: LabCorp Variant Classification Summary - May 2015. Collection method: clinical testing. Allele origin: germline.
Comment: Variant summary: PC c.3514G>A (p.Asp1172Asn) results in a conservative amino acid change in the encoded protein sequence. Algorithms developed to predict the effect of missense changes on protein structure and function are either unavailable or do not agree on the potential impact of this missense change. The variant allele was found at a frequency of 1.6e-05 in 250934 control chromosomes. The available data on variant occurrences in the general population are insufficient to allow any conclusion about variant significance. To our knowledge, no occurrence of c.3514G>A in individuals affected with PC-related conditions and no experimental evidence demonstrating its impact on protein function have been reported. ClinVar contains an entry for this variant (Variation ID: 427084). Based on the evidence outlined above, the variant was classified as uncertain significance.

Labcorp Genetics (formerly Invitae), Labcorp
Classification: Likely benign for Pyruvate carboxylase deficiency. Last evaluated: 2025-08-03. Review status: criteria provided, single submitter. Criteria: Invitae Variant Classification Sherloc (09022015). Collection method: clinical testing. Allele origin: germline.

Ambry Genetics
Classification: Uncertain significance for Inborn genetic diseases. Last evaluated: 2025-01-14. Review status: criteria provided, single submitter. Criteria: Ambry Variant Classification Scheme 2023. Collection method: clinical testing. Allele origin: germline.

GeneDx
Classification: Likely pathogenic. Last evaluated: 2015-06-19. Review status: criteria provided, single submitter. Criteria: GeneDx Variant Classification (06012015). Collection method: clinical testing. Allele origin: germline. Affected: yes.
Comment: The D1172N variant has not been published as a pathogenic variant, nor has it been reported as a benign polymorphism to our knowledge. The D1172N variant is a semi-conservative amino acid substitution, which may impact secondary protein structure as these residues differ in some properties. This substitution occurs at a position conserved across species. In silico analysis predicts this variant is probably damaging to the protein structure/function. Therefore, this variant is a strong candidate for a pathogenic variant, however the possibility that it is a benign variant cannot be excluded.